The following is an entry in ClinVar:

NM_014208.3(DSPP):c.3156T>C (p.Ser1052=)

Genes: DMP1-AS1 (DMP1 and DSPP antisense RNA 1; minus strand), DSPP (dentin sialophosphoprotein; plus strand). Cytogenetic location: 4q22.1.
Variant type: single nucleotide variant.
Coding change: c.3156T>C on transcript NM_014208.3 (MANE Select); coding-DNA position 3156, T replaced by C.
Protein change: p.Ser1052=; no amino-acid change (serine 1052 retained).
Molecular consequence: synonymous variant.
Genome position (GRCh38, 1-based): chr4:87,615,818, T>C. VCF-style: chr4-87615818-T-C. GRCh37 (hg19) VCF-style: chr4-88536970-T-C.
Identifiers: ClinVar variation 2654903 (VCV002654903.24), dbSNP rs368829445, ClinGen allele CA3001443.

ClinVar aggregate classification (germline): Likely benign (1 of 4 stars; one submission).

Allele frequency attached by ClinVar (database versions not stated): ExAC 0.00005; ESP Exome Variant Server 0.01911.

Submission:

CeGaT Center for Human Genetics Tuebingen
Classification: Likely benign. Last evaluated: 2024-09-01. Review status: criteria provided, single submitter. Criteria: CeGaT Center For Human Genetics Tuebingen Variant Classification Criteria Version 2. Collection method: clinical testing. Allele origin: germline. Affected: yes. Observed: 2 variant alleles.
Comment: DSPP: BP4, BP7